The following is an entry in ClinVar:

NM_001382422.1(EXOC3L2):c.1870G>A (p.Ala624Thr)

Gene: EXOC3L2 (exocyst complex component 3 like 2; minus strand). Cytogenetic location: 19q13.32.
Variant type: single nucleotide variant.
Coding change: c.1870G>A on transcript NM_001382422.1 (MANE Select); coding-DNA position 1870, G replaced by A.
Protein change: p.Ala624Thr; replaces alanine 624 with threonine.
Molecular consequence: missense variant.
Genome position (GRCh38, 1-based): chr19:45,217,656, C>T on the plus strand (G>A on the coding strand, the complement: EXOC3L2 is on the minus strand). VCF-style: chr19-45217656-C-T. GRCh37 (hg19) VCF-style: chr19-45720914-C-T.
Other names: NM_138568.3:c.691G>A; short protein forms A624T.
Identifiers: ClinVar variation 4870701 (VCV004870701.1).

ClinVar aggregate classification (germline): Uncertain significance (1 of 4 stars; one submission).

Submission:

Ambry Genetics
Classification: Uncertain significance. Last evaluated: 2026-04-06. Review status: criteria provided, single submitter. Criteria: Ambry Variant Classification Scheme 2023. Collection method: clinical testing. Allele origin: germline.
Comment: The c.691G>A (p.A231T) alteration is located in exon 8 (coding exon 7) of the EXOC3L2 gene. This alteration results from a G to A substitution at nucleotide position 691, causing the alanine (A) at amino acid position 231 to be replaced by a threonine (T). Based on data from gnomAD, the A allele has an overall frequency of <0.001% (0/39788) total alleles studied. The highest observed frequency was <0.001% (/) of alleles. Based on insufficient or conflicting evidence, the clinical significance of this alteration remains unclear.